The following is an entry in ClinVar:

ClinVar aggregate classification (germline): Uncertain significance. Review status: criteria provided, multiple submitters, no conflicts (2 of 4 stars). 2 submissions from 2 submitters: Uncertain significance (2). Last evaluated 2026-05-21.

Conditions:
SLC16A12-related disorder. Also called: SLC16A12-related condition.

Allele frequency attached by ClinVar (database versions not stated): gnomAD 0.00001; TOPMed 0.00001; ExAC 0.00003; gnomAD exomes 0.00003.
gnomAD v4.1: 47 of 1,613,532 alleles (0.0029%); highest among the groups gnomAD compares: South Asian, 0.0044%; no homozygotes.

Submissions (2):

PreventionGenetics, part of Exact Sciences
Classification: Uncertain significance for SLC16A12-related condition. Last evaluated: 2026-05-21. Review status: criteria provided, single submitter. Criteria: ACMG Guidelines, 2015. Collection method: clinical testing. Allele origin: germline.
Comment: The SLC16A12 c.751C>T variant is predicted to result in the amino acid substitution p.Arg251Trp. To our knowledge, this variant has not been reported in the literature. This variant is present in 0.0062% of alleles in individuals of European (Non-Finnish) descent in gnomAD. At this time, the clinical significance of this variant is uncertain due to the absence of conclusive functional and genetic evidence.

Ambry Genetics
Classification: Uncertain significance. Last evaluated: 2023-06-27. Review status: criteria provided, single submitter. Criteria: Ambry Variant Classification Scheme 2023. Collection method: clinical testing. Allele origin: germline.

NM_213606.4(SLC16A12):c.751C>T (p.Arg251Trp)

Gene: SLC16A12 (solute carrier family 16 member 12; minus strand). Cytogenetic location: 10q23.31.
Variant type: single nucleotide variant.
Coding change: c.751C>T on transcript NM_213606.4 (MANE Select); coding-DNA position 751, C replaced by T.
Protein change: p.Arg251Trp; replaces arginine 251 with tryptophan.
Molecular consequence: missense variant.
Genome position (GRCh38, 1-based): chr10:89,438,881, G>A on the plus strand (C>T on the coding strand, the complement: SLC16A12 is on the minus strand). VCF-style: chr10-89438881-G-A. GRCh37 (hg19) VCF-style: chr10-91198638-G-A.
Other names: short protein forms R251W.
Identifiers: ClinVar variation 2602797 (VCV002602797.3), dbSNP rs755537113, ClinGen allele CA5595442.